The following is an entry in ClinVar:

NM_001080449.3(DNA2):c.143T>C (p.Leu48Pro)

Gene: DNA2 (DNA replication helicase/nuclease 2; minus strand). Cytogenetic location: 10q21.3.
Variant type: single nucleotide variant.
Coding change: c.143T>C on transcript NM_001080449.3 (MANE Select); coding-DNA position 143, T replaced by C.
Protein change: p.Leu48Pro; replaces leucine 48 with proline.
Molecular consequence: missense variant. On other transcripts: non-coding transcript variant (1).
Genome position (GRCh38, 1-based): chr10:68,470,095, A>G on the plus strand (T>C on the coding strand, the complement: DNA2 is on the minus strand). VCF-style: chr10-68470095-A-G. GRCh37 (hg19) VCF-style: chr10-70229852-A-G.
Other names: short protein forms L48P.
Identifiers: ClinVar variation 1710082 (VCV001710082.2), dbSNP rs2494019349, ClinGen allele CA376832155.
Genomic context (GRCh38, chr10:68,470,095, plus strand): 5'-ATGACCAGGCGCTTTTCACAGTTTCCCTCTTTGTTCTGTACAGTATTGACTGCCAACACC[A>G]GGTACCGGTTATCCATTCCTGTGCTCAGAACTGTTCTTGGAAAGGAAGCTACCACTTTCT-3'
Protein context (NP_001073918.2, residues 38-58): VLSTGMDNRY[Leu48Pro]VLAVNTVQNK

ClinVar aggregate classification (germline): Likely pathogenic. Review status: criteria provided, single submitter (1 of 4 stars). 2 submissions from 2 submitters: Likely pathogenic (1). 1 of the submissions does not count toward it. Last evaluated 2022-09-22.

Conditions:
Rothmund-Thomson syndrome type 4. Identifiers: MedGen C5935619, MONDO:0970950, OMIM 620819.
Rothmund-Thomson syndrome (RTS). Also called: Poikiloderma Congenitale; Poikiloderma of Rothmund-Thomson. Identifiers: Orphanet 2909, MedGen C0032339, MONDO:0010002.

Submissions (2):

Human Genome and Stem Cell Research Center, Department of Genetics and Evolutionary Biology, Institute of Biosciences, University of São Paulo
Classification: Likely pathogenic for Rothmund-Thomson syndrome. Last evaluated: 2022-09-22. Review status: criteria provided, single submitter. Criteria: ACMG Guidelines, 2015. Collection method: research. Allele origin: maternal. Inheritance: Autosomal recessive inheritance. Affected: yes. Observed: 1 compound heterozygote.

OMIM
Classification: Pathogenic for ROTHMUND-THOMSON SYNDROME, TYPE 4. Last evaluated: 2024-05-07. Review status: no assertion criteria provided. Collection method: literature only. Allele origin: germline. Not counted in ClinVar's aggregate classification.

Literature cited by the submitters: PubMed 37055165 (cited by OMIM).